The following is an entry in ClinVar:

NM_002470.4(MYH3):c.287A>T (p.His96Leu)

Gene: MYH3 (myosin heavy chain 3; minus strand). Cytogenetic location: 17p13.1.
Variant type: single nucleotide variant.
Coding change: c.287A>T on transcript NM_002470.4 (MANE Select); coding-DNA position 287, A replaced by T.
Protein change: p.His96Leu; replaces histidine 96 with leucine.
Molecular consequence: missense variant.
Genome position (GRCh38, 1-based): chr17:10,652,481, T>A on the plus strand (A>T on the coding strand, the complement: MYH3 is on the minus strand). VCF-style: chr17-10652481-T-A. GRCh37 (hg19) VCF-style: chr17-10555798-T-A.
Other names: short protein forms H96L.
Identifiers: ClinVar variation 3257399 (VCV003257399.17).

ClinVar aggregate classification (germline): Uncertain significance (1 of 4 stars; one submission).

Submission:

CeGaT Center for Human Genetics Tuebingen
Classification: Uncertain significance. Last evaluated: 2024-07-01. Review status: criteria provided, single submitter. Criteria: CeGaT Center For Human Genetics Tuebingen Variant Classification Criteria Version 2. Collection method: clinical testing. Allele origin: germline. Affected: yes. Observed: 1 variant allele.
Comment: MYH3: PM2